The following is an entry in ClinVar:

NM_004646.4(NPHS1):c.3418C>A (p.Arg1140Ser)

Gene: NPHS1 (NPHS1 adhesion molecule, nephrin; minus strand). Cytogenetic location: 19q13.12.
Variant type: single nucleotide variant.
Coding change: c.3418C>A on transcript NM_004646.4 (MANE Select); coding-DNA position 3418, C replaced by A.
Protein change: p.Arg1140Ser; replaces arginine 1140 with serine.
Molecular consequence: missense variant.
Genome position (GRCh38, 1-based): chr19:35,831,116, G>T on the plus strand (C>A on the coding strand, the complement: NPHS1 is on the minus strand). VCF-style: chr19-35831116-G-T. GRCh37 (hg19) VCF-style: chr19-36322018-G-T.
Other names: p.Arg1140Ser; short protein forms R1140S.
Identifiers: ClinVar variation 259498 (VCV000259498.27), dbSNP rs143092783, ClinGen allele CA9389760.

ClinVar aggregate classification (germline): Benign/Likely benign. Review status: criteria provided, multiple submitters, no conflicts (2 of 4 stars). 13 submissions from 13 submitters: Benign (6); Likely benign (3). 4 of the submissions do not count toward it. Last evaluated 2026-02-04.

Conditions:
Finnish congenital nephrotic syndrome (NPHS1). Also called: NEPHROTIC SYNDROME, TYPE 1. Identifiers: Orphanet 839, MedGen C0403399, MONDO:0009732, OMIM 256300.
Focal segmental glomerulosclerosis (FSGS). Also called: Glomerulosclerosis, focal; Focal sclerosis with hyalinosis. Identifiers: MedGen C0017668, MONDO:0100313, HP:0000097. Disease mechanism: loss of function.

Allele frequency attached by ClinVar (database versions not stated): ESP Exome Variant Server 0.00461; 1000 Genomes Project 0.00260; 1000 Genomes Project 30x 0.00312; TOPMed 0.00410.
gnomAD v4.1: 1,155 of 1,613,946 alleles (0.072%); highest among the groups gnomAD compares: African/African-American, 1.2%; 10 homozygotes.

Submissions (13):

Labcorp Genetics (formerly Invitae), Labcorp
Classification: Benign. Last evaluated: 2026-02-04. Review status: criteria provided, single submitter. Criteria: Invitae Variant Classification Sherloc (09022015). Collection method: clinical testing. Allele origin: germline.

Athena Diagnostics
Classification: Benign. Last evaluated: 2024-09-16. Review status: criteria provided, single submitter. Criteria: Athena Diagnostics Criteria. Collection method: clinical testing. Allele origin: unknown.

Mayo Clinic Laboratories, Mayo Clinic
Classification: Likely benign. Last evaluated: 2024-06-13. Review status: criteria provided, single submitter. Criteria: ACMG Guidelines, 2015. Collection method: clinical testing. Allele origin: germline. Observed: 2 variant alleles.
Comment: BS1, BP4

Fulgent Genetics
Classification: Benign for Finnish congenital nephrotic syndrome. Last evaluated: 2022-04-08. Review status: criteria provided, single submitter. Criteria: ACMG Guidelines, 2015. Collection method: clinical testing. Allele origin: unknown.

Genome Diagnostics Laboratory, The Hospital for Sick Children
Classification: Likely benign for Focal segmental glomerulosclerosis. Last evaluated: 2021-10-19. Review status: criteria provided, single submitter. Criteria: ACMG Guidelines, 2015. Collection method: clinical testing. Allele origin: germline.

GeneDx
Classification: Benign. Last evaluated: 2020-05-12. Review status: criteria provided, single submitter. Criteria: GeneDx Variant Classification Process June 2021. Collection method: clinical testing. Allele origin: germline. Affected: yes.
Comment: This variant is associated with the following publications: (PMID: 26990548)

Dubai Health Genomic Medicine Center, Dubai Health
Classification: Benign for Finnish congenital nephrotic syndrome. Last evaluated: 2019-12-29. Review status: criteria provided, single submitter. Criteria: ACMG Guidelines, 2015. Collection method: clinical testing. Allele origin: germline. Affected: yes.

Breakthrough Genomics
Classification: Likely benign. Review status: criteria provided, single submitter. Criteria: ACMG Guidelines, 2015. Collection method: not provided. Allele origin: germline. Inheritance: Autosomal recessive inheritance. Affected: yes.

PreventionGenetics, part of Exact Sciences
Classification: Benign. Review status: criteria provided, single submitter. Criteria: ACMG Guidelines, 2015. Collection method: clinical testing. Allele origin: germline.

Natera, Inc.
Classification: Benign for Finnish congenital nephrotic syndrome. Last evaluated: 2020-09-16. Review status: no assertion criteria provided. Collection method: clinical testing. Allele origin: germline. Not counted in ClinVar's aggregate classification.

Counsyl
Classification: Likely benign for Finnish congenital nephrotic syndrome. Last evaluated: 2017-09-26. Review status: no assertion criteria provided. Collection method: clinical testing. Allele origin: unknown. Not counted in ClinVar's aggregate classification.

Genome Diagnostics Laboratory, University Medical Center Utrecht
Classification: Likely benign. Review status: no assertion criteria provided. Collection method: clinical testing. Allele origin: germline. Affected: yes. Study: VKGL Data-share Consensus. Not counted in ClinVar's aggregate classification.

Laboratory of Diagnostic Genome Analysis, Leiden University Medical Center (LUMC)
Classification: Likely benign. Review status: no assertion criteria provided. Collection method: clinical testing. Allele origin: germline. Affected: yes. Study: VKGL Data-share Consensus. Not counted in ClinVar's aggregate classification.

Literature cited by the submitters: PubMed 26990548 (cited by Athena Diagnostics and Mayo Clinic Laboratories, Mayo Clinic); PubMed 28658201 (cited by Athena Diagnostics); PubMed 34426522 (cited by Mayo Clinic Laboratories, Mayo Clinic).